The following is an entry in ClinVar:

NM_000135.4(FANCA):c.2574C>G (p.Ser858Arg)

Gene: FANCA (FA complementation group A; minus strand). Cytogenetic location: 16q24.3.
Variant type: single nucleotide variant.
Coding change: c.2574C>G on transcript NM_000135.4 (MANE Select); coding-DNA position 2574, C replaced by G.
Protein change: p.Ser858Arg; replaces serine 858 with arginine.
Molecular consequence: missense variant.
Genome position (GRCh38, 1-based): chr16:89,767,168, G>C on the plus strand (C>G on the coding strand, the complement: FANCA is on the minus strand). VCF-style: chr16-89767168-G-C. GRCh37 (hg19) VCF-style: chr16-89833576-G-C.
Other names: c.2574C>G (LRG_495t1, NM_000135.3); c.2574C>G, p.Ser858Arg (NM_001286167.3); short protein forms S858R.
Identifiers: ClinVar variation 134256 (VCV000134256.66), dbSNP rs17233141, ClinGen allele CA212608.

ClinVar aggregate classification (germline): Benign/Likely benign. Review status: criteria provided, multiple submitters, no conflicts (2 of 4 stars). 22 submissions from 22 submitters: Benign (9); Likely benign (5). 8 of the submissions do not count toward it. Last evaluated 2026-09-01.

Conditions:
FANCA-related disorder. Also called: FANCA-related condition.
Fanconi anemia (FA). Also called: Fanconi's anemia. Identifiers: Orphanet 84, MedGen C0015625, MeSH D005199, MONDO:0019391.
Fanconi anemia complementation group A (FANCA). Also called: FANCA-Related Fanconi Anemia; Fanconi anemia, group A. Identifiers: Orphanet 84, MedGen C3469521, MONDO:0009215, OMIM 227650.

Allele frequency attached by ClinVar (database versions not stated): 1000 Genomes Project 0.00938; gnomAD exomes 0.01005; ExAC 0.01031; ESP Exome Variant Server 0.00531; TOPMed 0.00565; gnomAD 0.00567 and 0.00640; 1000 Genomes Project 30x 0.00906.
gnomAD v4.1: 14,450 of 1,613,284 alleles (0.9%); highest among the groups gnomAD compares: South Asian, 3.2%; 135 homozygotes.

Submissions 1 to 25 of 33:

CeGaT Center for Human Genetics Tuebingen
Classification: Benign. Last evaluated: 2026-09-01. Review status: criteria provided, single submitter. Criteria: CeGaT Center For Human Genetics Tuebingen Variant Classification Criteria Version 2. Collection method: clinical testing. Allele origin: germline. Affected: yes. Observed: 132 variant alleles.
Comment: FANCA: BP4, BS1, BS2

Labcorp Genetics (formerly Invitae), Labcorp
Classification: Benign for Fanconi anemia. Last evaluated: 2026-02-04. Review status: criteria provided, single submitter. Criteria: Invitae Variant Classification Sherloc (09022015). Collection method: clinical testing. Allele origin: germline.

Dasa
Classification: Benign. Last evaluated: 2025-10-28. Review status: criteria provided, single submitter. Criteria: DASA Assertion Criteria. Collection method: clinical testing. Allele origin: germline.
Comment: NM_000135.4(FANCA):c.2574C>G (p.Ser858Arg) is interpreted as benign based on a combination of available evidence, which may include population frequency, observations in unaffected individuals, intact protein function, lack of segregation with disease, in silico models, amino acid conservation, lack of disease association in case-control studies, and/or inconsistency with the known disease mechanism or impacted region. Based on the available data, this variant is classified as benign.

Mayo Clinic Laboratories, Mayo Clinic
Classification: Likely benign. Last evaluated: 2025-09-16. Review status: criteria provided, single submitter. Criteria: ACMG Guidelines, 2015. Collection method: clinical testing. Allele origin: germline. Observed: 10 variant alleles.
Comment: BS1, BP4_moderate

Quest Diagnostics Nichols Institute San Juan Capistrano
Classification: Benign. Last evaluated: 2025-06-18. Review status: criteria provided, single submitter. Criteria: Quest Diagnostics criteria. Collection method: clinical testing. Allele origin: unknown.

ARUP Laboratories, Molecular Genetics and Genomics, ARUP Laboratories
Classification: Benign for Fanconi anemia complementation group A. Last evaluated: 2025-04-01. Review status: criteria provided, single submitter. Criteria: ARUP Molecular Germline Variant Investigation Process 2024. Collection method: clinical testing. Allele origin: germline.

Women's Health and Genetics/Laboratory Corporation of America, LabCorp
Classification: Benign. Last evaluated: 2022-02-18. Review status: criteria provided, single submitter. Criteria: LabCorp Variant Classification Summary - May 2015. Collection method: clinical testing. Allele origin: germline.
Comment: Variant summary: FANCA c.2574C>G (p.Ser858Arg) results in a non-conservative amino acid change in the encoded protein sequence. Four of five in-silico tools predict a benign effect of the variant on protein function. The variant allele was found at a frequency of 0.01 in 251444 control chromosomes, predominantly at a frequency of 0.032 within the South Asian subpopulation in the gnomAD database, including 26 homozygotes. The observed variant frequency within South Asian control individuals in the gnomAD database is approximately 15 fold of the estimated maximal expected allele frequency for a pathogenic variant in FANCA causing Fanconi Anemia phenotype (0.0022), strongly suggesting that the variant is a benign polymorphism found primarily in populations of South Asian origin. To our knowledge, no experimental evidence demonstrating its impact on protein function have been reported. Ten ClinVar submitters (evaluation after 2014) cite the variant as uncertain significance (n=1), likely benign (n=3), benign (n=4) and pathogenic (n=2). Based on the evidence outlined above, the variant was classified as benign.

Genome-Nilou Lab
Classification: Likely benign for Fanconi anemia complementation group A. Last evaluated: 2021-05-18. Review status: criteria provided, single submitter. Criteria: ACMG Guidelines, 2015. Collection method: clinical testing. Allele origin: germline. Affected: no.

Sema4
Classification: Benign for Fanconi anemia. Last evaluated: 2020-07-21. Review status: criteria provided, single submitter. Criteria: Sema4 Curation Guidelines. Collection method: curation. Allele origin: germline.

GeneDx
Classification: Benign. Last evaluated: 2019-05-16. Review status: criteria provided, single submitter. Criteria: GeneDx Variant Classification Process June 2021. Collection method: clinical testing. Allele origin: germline. Affected: yes.
Comment: This variant is associated with the following publications: (PMID: 24728327, 11091222, 30249500, 21279724, 24082139, 10094191, 27884173, 27153395, 26740942, 15591268, 23021409, 27148581, 30553997, 26799702, 26119737, 29084058, 25231023, 12955722)

Genetic Services Laboratory, University of Chicago
Classification: Benign. Last evaluated: 2017-09-01. Review status: criteria provided, single submitter. Criteria: ACMG Guidelines, 2015. Collection method: clinical testing. Allele origin: germline. Affected: no.

Illumina Laboratory Services, Illumina
Classification: Likely benign for Fanconi anemia complementation group A. Last evaluated: 2017-04-27. Review status: criteria provided, single submitter. Criteria: ICSL Variant Classification Criteria 13 December 2019. Collection method: clinical testing. Allele origin: germline.
Comment: This variant was observed as part of a predisposition screen in an ostensibly healthy population. A literature search was performed for the gene, cDNA change, and amino acid change (where applicable). No publications were found based on this search. Allele frequency data from public databases allowed determination this variant is unlikely to cause disease. Therefore, this variant is classified as likely benign.

Center for Pediatric Genomic Medicine, Children's Mercy Hospital and Clinics
Classification: Likely benign. Last evaluated: 2017-03-20. Review status: criteria provided, single submitter. Criteria: ACMG Guidelines, 2015. Collection method: clinical testing. Allele origin: germline.

Breakthrough Genomics
Classification: Likely benign. Review status: criteria provided, single submitter. Criteria: ACMG Guidelines, 2015. Collection method: not provided. Allele origin: germline. Inheritance: Autosomal recessive inheritance. Affected: yes.

Natera, Inc.
Classification: Likely benign for Fanconi anemia, group A. Last evaluated: 2024-09-27. Review status: no assertion criteria provided. Collection method: clinical testing. Allele origin: germline. Not counted in ClinVar's aggregate classification.

PreventionGenetics, part of Exact Sciences
Classification: Likely benign for FANCA-related condition. Last evaluated: 2019-07-16. Review status: no assertion criteria provided. Collection method: clinical testing. Allele origin: germline. Not counted in ClinVar's aggregate classification.
Comment: This variant is classified as likely benign based on ACMG/AMP sequence variant interpretation guidelines (Richards et al. 2015 PMID: 25741868, with internal and published modifications).

McDonnell Genome Institute, Washington University in St. Louis
Classification: Pathogenic for Fanconi anemia complementation group A. Last evaluated: 2015-10-22. Review status: no assertion criteria provided. Collection method: research. Allele origin: germline. Inheritance: Autosomal recessive inheritance. Affected: no. Observed: 1 variant allele, 1 heterozygote. Not counted in ClinVar's aggregate classification.

ITMI
No classification provided. Condition: AllHighlyPenetrant. Last evaluated: 2013-09-19. Review status: no classification provided. Collection method: reference population. Allele origin: germline. Not counted in ClinVar's aggregate classification.
Comment: Please see associated publication for description of ethnicities

Dr. Peter K. Rogan Lab, Western University
No classification provided (evidence only). Condition: Clear cell carcinoma of kidney. Review status: no classification provided. Collection method: in vitro. Allele origin: not applicable. Functional consequence: retained intron. Not counted in ClinVar's aggregate classification.

Dr. Peter K. Rogan Lab, Western University
No classification provided (evidence only). Condition: Clear cell carcinoma of kidney. Review status: no classification provided. Collection method: in vitro. Allele origin: not applicable. Functional consequence: retained intron. Not counted in ClinVar's aggregate classification.

Dr. Peter K. Rogan Lab, Western University
No classification provided (evidence only). Condition: Lung cancer. Review status: no classification provided. Collection method: in vitro. Allele origin: not applicable. Functional consequence: retained intron. Not counted in ClinVar's aggregate classification.

Dr. Peter K. Rogan Lab, Western University
No classification provided (evidence only). Condition: Acute myeloid leukemia. Review status: no classification provided. Collection method: in vitro. Allele origin: not applicable. Functional consequence: retained intron. Not counted in ClinVar's aggregate classification.

Dr. Peter K. Rogan Lab, Western University
No classification provided (evidence only). Condition: Colon adenocarcinoma. Review status: no classification provided. Collection method: in vitro. Allele origin: not applicable. Functional consequence: retained intron. Not counted in ClinVar's aggregate classification.

Dr. Peter K. Rogan Lab, Western University
No classification provided (evidence only). Condition: Colorectal cancer. Review status: no classification provided. Collection method: in vitro. Allele origin: not applicable. Functional consequence: retained intron. Not counted in ClinVar's aggregate classification.

Dr. Peter K. Rogan Lab, Western University
No classification provided (evidence only). Condition: Thyroid cancer, nonmedullary, 1. Review status: no classification provided. Collection method: in vitro. Allele origin: not applicable. Functional consequence: retained intron. Not counted in ClinVar's aggregate classification.